The following is an entry in ClinVar:

ClinVar aggregate classification (germline): Likely benign (1 of 4 stars; one submission).

Submission:

CeGaT Center for Human Genetics Tuebingen
Classification: Likely benign. Last evaluated: 2024-06-01. Review status: criteria provided, single submitter. Criteria: CeGaT Center For Human Genetics Tuebingen Variant Classification Criteria Version 2. Collection method: clinical testing. Allele origin: germline. Affected: yes. Observed: 1 variant allele.
Comment: ATP5F1D: PM2:Supporting, BP4, BP7

NM_001687.5(ATP5F1D):c.30G>T (p.Pro10=)

Gene: ATP5F1D (ATP synthase F1 subunit delta; plus strand). Cytogenetic location: 19p13.3.
Variant type: single nucleotide variant.
Coding change: c.30G>T on transcript NM_001687.5 (MANE Select); coding-DNA position 30, G replaced by T.
Protein change: p.Pro10=; no amino-acid change (proline 10 retained).
Molecular consequence: synonymous variant.
Genome position (GRCh38, 1-based): chr19:1,241,880, G>T. VCF-style: chr19-1241880-G-T. GRCh37 (hg19) VCF-style: chr19-1241879-G-T.
Other names: c.30G>T, p.Pro10= (NM_001001975.2).
Identifiers: ClinVar variation 3251069 (VCV003251069.18), dbSNP rs1207621711.